The following is an entry in ClinVar:

ClinVar aggregate classification (germline): Uncertain significance (1 of 4 stars; one submission).

Submission:

Labcorp Genetics (formerly Invitae), Labcorp
Classification: Uncertain significance. Last evaluated: 2024-02-13. Review status: criteria provided, single submitter. Criteria: Invitae Variant Classification Sherloc (09022015). Collection method: clinical testing. Allele origin: germline.
Comment: This sequence change replaces leucine, which is neutral and non-polar, with proline, which is neutral and non-polar, at codon 216 of the CERKL protein (p.Leu216Pro). This variant is not present in population databases (gnomAD no frequency). This variant has not been reported in the literature in individuals affected with CERKL-related conditions. Advanced modeling of protein sequence and biophysical properties (such as structural, functional, and spatial information, amino acid conservation, physicochemical variation, residue mobility, and thermodynamic stability) performed at Invitae indicates that this missense variant is expected to disrupt CERKL protein function with a positive predictive value of 80%. In summary, the available evidence is currently insufficient to determine the role of this variant in disease. Therefore, it has been classified as a Variant of Uncertain Significance.

NM_201548.5(CERKL):c.647T>C (p.Leu216Pro)

Gene: CERKL (CERK like autophagy regulator; minus strand). Cytogenetic location: 2q31.3.
Variant type: single nucleotide variant.
Coding change: c.647T>C on transcript NM_201548.5 (MANE Select); coding-DNA position 647, T replaced by C.
Protein change: p.Leu216Pro; replaces leucine 216 with proline.
Molecular consequence: missense variant. On other transcripts: intron variant (2).
Genome position (GRCh38, 1-based): chr2:181,566,088, A>G on the plus strand (T>C on the coding strand, the complement: CERKL is on the minus strand). VCF-style: chr2-181566088-A-G. GRCh37 (hg19) VCF-style: chr2-182430815-A-G.
Other names: c.515T>C, p.Leu172Pro (NM_001160277.2); c.482-16380T>C (NM_001030312.3); c.613+7665T>C (NM_001030313.3); c.647T>C, p.Leu216Pro (NM_001030311.3); short protein forms L216P, L172P.
Identifiers: ClinVar variation 2805069 (VCV002805069.3), dbSNP rs2468336420, ClinGen allele CA349743024.
Genomic context (GRCh38, chr2:181,566,088, plus strand): 5'-TAACATATATTGATTAATAATATAACCTACCCATCAAATCCCTGGAGTTCACATTCCTTA[A>G]GCAGTGACAGAGCGTGCCCTTCATATTCCATTACTATTAAAAAAACACACACACATACAC-3'
Protein context (NP_963842.1, residues 206-226): MEYEGHALSL[Leu216Pro]KECELQGFDG